The following is an entry in ClinVar:

ClinVar aggregate classification (germline): Uncertain significance (1 of 4 stars; one submission).

Conditions:
Neurodegeneration, childhood-onset, with cerebellar atrophy. Identifiers: MedGen C4748934, MONDO:0032650, OMIM 618276.

Allele frequency attached by ClinVar (database versions not stated): gnomAD exomes 0.00001; TOPMed 0.00001; gnomAD 0.00003.
gnomAD v4.1: 22 of 1,611,768 alleles (0.0014%); highest among the groups gnomAD compares: African/African-American, 0.0013%; no homozygotes.

Submission:

Neuberg Centre For Genomic Medicine, NCGM
Classification: Uncertain significance for Neurodegeneration, childhood-onset, with cerebellar atrophy. Review status: criteria provided, single submitter. Criteria: ACMG Guidelines, 2015. Collection method: clinical testing. Allele origin: germline. Inheritance: Autosomal recessive inheritance. Affected: yes.
Comment: The missense variant c.1096G>A (p.Val366Ile) in AGTPBP1 gene has not been reported previously as a pathogenic variant nor as a benign variant, to our knowledge. The p.Val366Ile variant has allele frequency of 0.0011% in the gnomad and novel in 1000 genome database. This variant has not been reported to the ClinVar database. The amino acid Val at position 366 is changed to a Ile changing protein sequence and it might alter its composition and physico-chemical properties. The amino acid change p.Val366Ile in AGTPBP1 is predicted as conserved by GERP++ and PhyloP across 100 vertebrates. For these reasons, this variant has been classified as Uncertain Significance (VUS).

NM_001330701.2(AGTPBP1):c.1096G>A (p.Val366Ile)

Gene: AGTPBP1 (ATP/GTP binding carboxypeptidase 1; minus strand). Cytogenetic location: 9q21.33.
Variant type: single nucleotide variant.
Coding change: c.1096G>A on transcript NM_001330701.2 (MANE Select); coding-DNA position 1096, G replaced by A.
Protein change: p.Val366Ile; replaces valine 366 with isoleucine.
Molecular consequence: missense variant.
Genome position (GRCh38, 1-based): chr9:85,646,410, C>T on the plus strand (G>A on the coding strand, the complement: AGTPBP1 is on the minus strand). VCF-style: chr9-85646410-C-T. GRCh37 (hg19) VCF-style: chr9-88261325-C-T.
Other names: c.1252G>A, p.Val418Ile (NM_001286715.1); c.1132G>A, p.Val378Ile (NM_001286717.1); c.976G>A, p.Val326Ile (NM_015239.3); short protein forms V378I, V326I, V366I, V418I.
Identifiers: ClinVar variation 2584838 (VCV002584838.1), dbSNP rs201841879, ClinGen allele CA195517158.